The following is an entry in ClinVar:

NM_000238.4(KCNH2):c.1009A>G (p.Thr337Ala)

Gene: KCNH2 (potassium voltage-gated channel subfamily H member 2; minus strand). Cytogenetic location: 7q36.1.
Variant type: single nucleotide variant.
Coding change: c.1009A>G on transcript NM_000238.4 (MANE Select); coding-DNA position 1009, A replaced by G.
Protein change: p.Thr337Ala; replaces threonine 337 with alanine.
Molecular consequence: missense variant.
Genome position (GRCh38, 1-based): chr7:150,957,410, T>C on the plus strand (A>G on the coding strand, the complement: KCNH2 is on the minus strand). VCF-style: chr7-150957410-T-C. GRCh37 (hg19) VCF-style: chr7-150654498-T-C.
Other names: c.721A>G, p.Thr241Ala (NM_001406753.1, NM_001406756.1); c.832A>G, p.Thr278Ala (NM_001406755.1); c.709A>G, p.Thr237Ala (NM_001406757.1); c.1009A>G, p.Thr337Ala (NM_172056.3); short protein forms T337A, T237A, T278A, T241A.
Identifiers: ClinVar variation 927557 (VCV000927557.7), dbSNP rs1584863947, ClinGen allele CA369861660.

ClinVar aggregate classification (germline): Uncertain significance (1 of 4 stars; one submission).

Conditions:
Cardiac arrhythmia. Also called: Cardiac rhythm disease; Arrhythmia. Identifiers: MedGen C0003811, MONDO:0007263, HP:0011675.

Allele frequency attached by ClinVar (database versions not stated): gnomAD exomes below 0.00001.
gnomAD v4.1: 1 of 1,614,140 alleles (0.000062%); highest among the groups gnomAD compares: Non-Finnish European, 0.000085%; no homozygotes.

Submission:

Color Diagnostics, LLC DBA Color Health
Classification: Uncertain significance for Cardiac arrhythmia. Last evaluated: 2024-03-06. Review status: criteria provided, single submitter. Criteria: ACMG Guidelines, 2015. Collection method: clinical testing. Allele origin: germline.
Comment: This missense variant replaces threonine with alanine at codon 337 of the KCNH2 protein. Computational prediction suggests that this variant may have deleterious impact on protein structure and function (internally defined REVEL score threshold >= 0.7, PMID: 27666373). Splice site prediction tools suggest that this variant may not impact RNA splicing. To our knowledge, functional studies have not been performed for this variant. This variant has not been reported in individuals affected with cardiovascular disorders in the literature. This variant has not been identified in the general population by the Genome Aggregation Database (gnomAD). The available evidence is insufficient to determine the role of this variant in disease conclusively. Therefore, this variant is classified as a Variant of Uncertain Significance.